The following is an entry in ClinVar:

NM_020975.6(RET):c.3176A>G (p.Asn1059Ser)

Gene: RET (ret proto-oncogene; plus strand). Cytogenetic location: 10q11.21.
Variant type: single nucleotide variant.
Coding change: c.3176A>G on transcript NM_020975.6 (MANE Select); coding-DNA position 3176, A replaced by G.
Protein change: p.Asn1059Ser; replaces asparagine 1059 with serine.
Molecular consequence: missense variant.
Genome position (GRCh38, 1-based): chr10:43,126,711, A>G. VCF-style: chr10-43126711-A-G. GRCh37 (hg19) VCF-style: chr10-43622159-A-G.
Other names: c.3176A>G, p.Asn1059Ser (NM_000323.2, NM_001406743.1, NM_001406744.1 and 2 more transcripts); c.2414A>G, p.Asn805Ser (NM_001355216.2); c.3047A>G, p.Asn1016Ser (NM_001406761.1, NM_001406762.1, NM_001406764.1); c.3041A>G, p.Asn1014Ser (NM_001406763.1, NM_001406765.1); c.2888A>G, p.Asn963Ser (NM_001406766.1, NM_001406767.1, NM_001406770.1); c.2912A>G, p.Asn971Ser (NM_001406768.1); c.2780A>G, p.Asn927Ser (NM_001406769.1, NM_001406772.1); c.2738A>G, p.Asn913Ser (NM_001406771.1, NM_001406773.1); and 10 more; short protein forms N1059S, N805S, N664S, N927S, N1014S, N1016S, N576S, N717S.
Identifiers: ClinVar variation 548922 (VCV000548922.20), dbSNP rs772395752, ClinGen allele CA206267860.

ClinVar aggregate classification (germline): Conflicting classifications of pathogenicity. Review status: criteria provided, conflicting classifications (1 of 4 stars). 8 submissions from 8 submitters: Uncertain significance (6); Likely benign (1). 1 of the submissions does not count toward it. Last evaluated 2026-06-02.

Conditions:
Multiple endocrine neoplasia type 2A. Also called: MULTIPLE ENDOCRINE NEOPLASIA, TYPE IIA; PTC SYNDROME; SIPPLE SYNDROME; MEN 2A; MEN-2A syndrome; Pheochromocytoma and amyloid producing medullary thyroid carcinoma. Identifiers: Orphanet 247698, Orphanet 653, MedGen C0025268, MeSH D018813, MONDO:0008234, OMIM 171400.
Hereditary cancer-predisposing syndrome. Also called: Neoplastic Syndromes, Hereditary; Hereditary Cancer Syndrome; Tumor predisposition; Hereditary neoplastic syndrome. Identifiers: Orphanet 140162, MedGen C0027672, MeSH D009386, MONDO:0015356.
Hirschsprung disease, susceptibility to, 1 (HSCR1). Also called: RET-Related Hirschsprung Disease. Identifiers: Orphanet 388, MedGen C3888239, MONDO:0007723, OMIM 142623.
Pheochromocytoma. Also called: MAX-Related Hereditary Paraganglioma-Pheochromocytoma Syndrome. Identifiers: Orphanet 29072, MedGen C0031511, MONDO:0008233, OMIM 171300, HP:0002666.
Familial medullary thyroid carcinoma (MTC). Also called: Thyroid cancer, familial medullary; MTC, familial; Familial Medullary Thyroid Carcinoma (FMTC). Identifiers: Orphanet 653, Orphanet 99361, MedGen C1833921, MONDO:0007958, OMIM 155240.
Multiple endocrine neoplasia type 2B. Also called: Multiple endocrine neoplasia, type 3; MULTIPLE ENDOCRINE NEOPLASIA, TYPE IIB; MUCOSAL NEUROMA SYNDROME; MEN 2B; Multiple Endocrine Neoplasia Type 2B (MEN2B); MEN IIB. Identifiers: Orphanet 247709, Orphanet 653, MedGen C0025269, MeSH D018814, MONDO:0008082, OMIM 162300.
RET-related disorder. Also called: RET-related disorders; RET-related condition; RET-related disease.
Multiple endocrine neoplasia, type 2 (MEN2). Identifiers: Orphanet 653, MedGen C4048306, MONDO:0019003. Disease mechanism: gain of function.

Allele frequency attached by ClinVar (database versions not stated): gnomAD 0.00001 and 0.00002; gnomAD exomes 0.00001; TOPMed 0.00002.
gnomAD v4.1: 46 of 1,613,780 alleles (0.0029%); highest among the groups gnomAD compares: Middle Eastern, 0.016%; no homozygotes.

Submissions (8):

PreventionGenetics, part of Exact Sciences
Classification: Uncertain significance for RET-related condition. Last evaluated: 2026-06-02. Review status: criteria provided, single submitter. Criteria: ACMG Guidelines, 2015. Collection method: clinical testing. Allele origin: germline.
Comment: The RET c.3176A>G variant is predicted to result in the amino acid substitution p.Asn1059Ser. This variant was reported de novo in an individual with Hirschsprung disease (Pelet et al. 2005. PubMed ID: 15744028). This variant was reported as a variant of uncertain significance in an individual with renal cell carcinoma (Supplemental Table 2, Nguyen et al. 2023. PubMed ID: 38127826) and in an individual that was part of a large hereditary cancer risk screen (Supplementary Table 3, de Oliveira et al. 2022. PubMed ID: 35534704). This variant is reported in 0.0029% of alleles in individuals of Latino descent in gnomAD and is interpreted as a variant of uncertain significance in ClinVar (Variation ID: 548922). At this time, the clinical significance of this variant is uncertain due to the absence of conclusive functional and genetic evidence.

Ambry Genetics
Classification: Likely benign for Hereditary cancer-predisposing syndrome. Last evaluated: 2026-04-03. Review status: criteria provided, single submitter. Criteria: Ambry Variant Classification Scheme 2023. Collection method: clinical testing. Allele origin: germline.

Labcorp Genetics (formerly Invitae), Labcorp
Classification: Uncertain significance for Multiple endocrine neoplasia, type 2. Last evaluated: 2025-12-17. Review status: criteria provided, single submitter. Criteria: Invitae Variant Classification Sherloc (09022015). Collection method: clinical testing. Allele origin: germline.
Comment: This sequence change replaces asparagine, which is neutral and polar, with serine, which is neutral and polar, at codon 1059 of the RET protein (p.Asn1059Ser). This variant is present in population databases (rs772395752, gnomAD 0.003%). This missense change has been observed in individual(s) with clinical features of Hirschsprung disease and/or renal carcinoma (PMID: 15744028, 38127826). ClinVar contains an entry for this variant (Variation ID: 548922). An algorithm developed to predict the effect of missense changes on protein structure and function (PolyPhen-2) suggests that this variant is likely to be disruptive. In summary, the available evidence is currently insufficient to determine the role of this variant in disease. Therefore, it has been classified as a Variant of Uncertain Significance.

All of Us Research Program, National Institutes of Health
Classification: Uncertain significance for Multiple endocrine neoplasia, type 2. Last evaluated: 2023-12-13. Review status: criteria provided, single submitter. Criteria: ACMG Guidelines, 2015. Collection method: clinical testing. Allele origin: germline. Inheritance: Autosomal dominant inheritance. Observed: 3 variant alleles, 3 heterozygotes.
Comment: This missense variant replaces asparagine with serine at codon 1059 of the RET protein. Computational prediction is inconclusive regarding the impact of this variant on protein structure and function (internally defined REVEL score threshold 0.5 < inconclusive < 0.7, PMID: 27666373). To our knowledge, functional studies have not been reported for this variant. This variant has not been reported in individuals affected with hereditary cancer in the literature. This variant has been identified in 2/251150 chromosomes in the general population by the Genome Aggregation Database (gnomAD). The available evidence is insufficient to determine the role of this variant in disease conclusively. Therefore, this variant is classified as a Variant of Uncertain Significance.

This study involves interpretation of variants in research participants for the purpose of population health screening. Participant phenotype was not available at the time of variant classification. Additional details can be found in publication PMID: 35346344, PMCID: PMC8962531

Baylor Genetics
Classification: Uncertain significance for Hirschsprung disease, susceptibility to, 1. Last evaluated: 2023-09-27. Review status: criteria provided, single submitter. Criteria: ACMG Guidelines, 2015. Collection method: clinical testing. Allele origin: unknown.

GeneDx
Classification: Uncertain significance. Last evaluated: 2023-09-19. Review status: criteria provided, single submitter. Criteria: GeneDx Variant Classification Process June 2021. Collection method: clinical testing. Allele origin: germline. Affected: yes.
Comment: Not observed at significant frequency in large population cohorts (gnomAD); In silico analysis supports that this missense variant has a deleterious effect on protein structure/function; Identified in a patient with sporadic Hirschsprung disease (PMID: 15744028); This variant is associated with the following publications: (PMID: 15744028)

Fulgent Genetics
Classification: Uncertain significance for Hirschsprung disease, susceptibility to, 1; Familial medullary thyroid carcinoma; Multiple endocrine neoplasia type 2B; Pheochromocytoma; Multiple endocrine neoplasia type 2A. Last evaluated: 2021-12-22. Review status: criteria provided, single submitter. Criteria: ACMG Guidelines, 2015. Collection method: clinical testing. Allele origin: unknown.

Counsyl
Classification: Uncertain significance for Multiple endocrine neoplasia type 2A. Last evaluated: 2018-05-31. Review status: no assertion criteria provided. Collection method: clinical testing. Allele origin: unknown. Not counted in ClinVar's aggregate classification.

Literature cited by the submitters: PubMed 15744028 (cited by Ambry Genetics and Labcorp Genetics (formerly Invitae), Labcorp); PubMed 38127826 (cited by Labcorp Genetics (formerly Invitae), Labcorp).